The following is an entry in ClinVar:

NM_001014.5(RPS10):c.*43A>G

Genes: RPS10 (ribosomal protein S10; minus strand), RPS10-NUDT3 (RPS10-NUDT3 readthrough; minus strand). Cytogenetic location: 6p21.31.
Variant type: single nucleotide variant.
Coding change: c.*43A>G on transcript NM_001014.5 (MANE Select); 43 bases downstream of the stop codon, A replaced by G.
Molecular consequence: 3 prime UTR variant. On other transcripts: intron variant (1).
Genome position (GRCh38, 1-based): chr6:34,417,463, T>C on the plus strand (A>G on the coding strand, the complement: RPS10 is on the minus strand). VCF-style: chr6-34417463-T-C. GRCh37 (hg19) VCF-style: chr6-34385240-T-C.
Other names: c.*43A>G (NM_001203245.3, NM_001204091.2); c.456+906A>G (NM_001202470.3).
Identifiers: ClinVar variation 356417 (VCV000356417.5), dbSNP rs200231286, ClinGen allele CA3764972.

ClinVar aggregate classification (germline): Benign (1 of 4 stars; one submission).

Conditions:
Diamond-Blackfan anemia 9 (DBA9). Also called: RPS10-Related Diamond-Blackfan Anemia. Identifiers: Orphanet 124, MedGen C2750081, MONDO:0013216, OMIM 613308.

Allele frequency attached by ClinVar (database versions not stated): ESP Exome Variant Server 0.00038; 1000 Genomes Project 30x 0.00016; 1000 Genomes Project 0.00020; ExAC 0.00043; gnomAD 0.00044 and 0.00049; gnomAD exomes 0.00048 and 0.00061; TOPMed 0.00062.
gnomAD v4.1: 942 of 1,568,890 alleles (0.06%); highest among the groups gnomAD compares: Non-Finnish European, 0.071%; 1 homozygote.

Submission:

Illumina Laboratory Services, Illumina
Classification: Benign for Diamond-Blackfan anemia 9. Last evaluated: 2018-01-12. Review status: criteria provided, single submitter. Criteria: ICSL Variant Classification Criteria 13 December 2019. Collection method: clinical testing. Allele origin: germline.
Comment: This variant was observed in the ICSL laboratory as part of a predisposition screen in an ostensibly healthy population. It had not been previously curated by ICSL or reported in the Human Gene Mutation Database (HGMD: prior to June 1st, 2018), and was therefore a candidate for classification through an automated scoring system. Utilizing variant allele frequency, disease prevalence and penetrance estimates, and inheritance mode, an automated score was calculated to assess if this variant is too frequent to cause the disease. Based on the score and internal cut-off values, a variant classified as benign is not then subjected to further curation. The score for this variant resulted in a classification of benign for this disease.